The following is an entry in ClinVar:

ClinVar aggregate classification (germline): Benign/Likely benign. Review status: criteria provided, multiple submitters, no conflicts (2 of 4 stars). 6 submissions from 5 submitters: Benign (5); Likely benign (1). Last evaluated 2026-01-15.

Conditions:
Autosomal recessive ataxia, Beauce type. Also called: Spinocerebellar ataxia, autosomal recessive 8; ATAXIA, RECESSIVE, OF BEAUCE; SYNE1-Related Autosomal Recessive Cerebellar Ataxia; SYNE1 Deficiency. Identifiers: Orphanet 88644, MedGen C1853116, MONDO:0012549, OMIM 610743.
Emery-Dreifuss muscular dystrophy 4, autosomal dominant (EDMD4). Also called: EMERY-DREIFUSS MUSCULAR DYSTROPHY 4 WITH VARIABLE FEATURES. Identifiers: Orphanet 261, MedGen C2751807, MONDO:0013071, OMIM 612998.
Arthrogryposis multiplex congenita 3, myogenic type. Also called: ARTHROGRYPOSIS MULTIPLEX CONGENITA, MYOGENIC TYPE. Identifiers: MedGen C5193121, MONDO:0032778, OMIM 618484.

Allele frequency attached by ClinVar (database versions not stated): gnomAD 0.00053 and 0.00080; TOPMed 0.00090; gnomAD exomes 0.00099 and 0.00179; ExAC 0.00185; 1000 Genomes Project 30x 0.00281; 1000 Genomes Project 0.00359.
gnomAD v4.1: 1,551 of 1,614,122 alleles (0.096%); highest among the groups gnomAD compares: East Asian, 3.3%; 37 homozygotes.

Submissions (6):

Labcorp Genetics (formerly Invitae), Labcorp
Classification: Benign for Emery-Dreifuss muscular dystrophy 4, autosomal dominant; Autosomal recessive ataxia, Beauce type. Last evaluated: 2026-01-15. Review status: criteria provided, single submitter. Criteria: Invitae Variant Classification Sherloc (09022015). Collection method: clinical testing. Allele origin: germline.

Fulgent Genetics
Classification: Likely benign for Autosomal recessive ataxia, Beauce type; Emery-Dreifuss muscular dystrophy 4, autosomal dominant; Arthrogryposis multiplex congenita 3, myogenic type. Last evaluated: 2022-01-07. Review status: criteria provided, single submitter. Criteria: ACMG Guidelines, 2015. Collection method: clinical testing. Allele origin: unknown.

Athena Diagnostics
Classification: Benign. Last evaluated: 2018-02-28. Review status: criteria provided, single submitter. Criteria: Athena Diagnostics Criteria. Collection method: clinical testing. Allele origin: germline.

Illumina Laboratory Services, Illumina
Classification: Benign for Emery-Dreifuss muscular dystrophy 4, autosomal dominant. Last evaluated: 2018-01-13. Review status: criteria provided, single submitter. Criteria: ICSL Variant Classification Criteria 13 December 2019. Collection method: clinical testing. Allele origin: germline.
Comment: This variant was observed in the ICSL laboratory as part of a predisposition screen in an ostensibly healthy population. It had not been previously curated by ICSL or reported in the Human Gene Mutation Database (HGMD: prior to June 1st, 2018), and was therefore a candidate for classification through an automated scoring system. Utilizing variant allele frequency, disease prevalence and penetrance estimates, and inheritance mode, an automated score was calculated to assess if this variant is too frequent to cause the disease. Based on the score and internal cut-off values, a variant classified as benign is not then subjected to further curation. The score for this variant resulted in a classification of benign for this disease.

Illumina Laboratory Services, Illumina
Classification: Benign for Autosomal recessive ataxia, Beauce type. Last evaluated: 2018-01-13. Review status: criteria provided, single submitter. Criteria: ICSL Variant Classification Criteria 13 December 2019. Collection method: clinical testing. Allele origin: germline.
Comment: the same text as in the submission from Illumina Laboratory Services, Illumina above.

Eurofins Ntd Llc (ga)
Classification: Benign. Last evaluated: 2015-10-23. Review status: criteria provided, single submitter. Criteria: EGL Classification Definitions 2015. Collection method: clinical testing. Allele origin: germline. Observed: 1 variant allele, 1 heterozygote.

NM_182961.4(SYNE1):c.2697A>G (p.Arg899=)

Gene: SYNE1 (spectrin repeat containing nuclear envelope protein 1; minus strand). Cytogenetic location: 6q25.2.
Variant type: single nucleotide variant.
Coding change: c.2697A>G on transcript NM_182961.4 (MANE Select); coding-DNA position 2697, A replaced by G.
Protein change: p.Arg899=; no amino-acid change (arginine 899 retained).
Molecular consequence: synonymous variant.
Genome position (GRCh38, 1-based): chr6:152,455,916, T>C on the plus strand (A>G on the coding strand, the complement: SYNE1 is on the minus strand). VCF-style: chr6-152455916-T-C. GRCh37 (hg19) VCF-style: chr6-152777051-T-C.
Other names: c.2718A>G, p.Arg906= (NM_033071.5).
Identifiers: ClinVar variation 284389 (VCV000284389.21), dbSNP rs75817012, ClinGen allele CA4059063.